The following is an entry in ClinVar:

NM_001161403.3(LIMS2):c.982T>C (p.Ser328Pro)

Gene: LIMS2 (LIM zinc finger domain containing 2; minus strand). Cytogenetic location: 2q14.3.
Variant type: single nucleotide variant.
Coding change: c.982T>C on transcript NM_001161403.3 (MANE Select); coding-DNA position 982, T replaced by C.
Protein change: p.Ser328Pro; replaces serine 328 with proline.
Molecular consequence: missense variant.
Genome position (GRCh38, 1-based): chr2:127,639,325, A>G on the plus strand (T>C on the coding strand, the complement: LIMS2 is on the minus strand). VCF-style: chr2-127639325-A-G. GRCh37 (hg19) VCF-style: chr2-128396900-A-G.
Other names: c.1048T>C, p.Ser350Pro (NM_001136037.4); c.967T>C, p.Ser323Pro (NM_001161404.2); c.526T>C, p.Ser176Pro (NM_001161405.1, NM_001256542.2); c.1054T>C, p.Ser352Pro (NM_017980.5); short protein forms S323P, S176P, S328P, S350P, S352P.
Identifiers: ClinVar variation 2882672 (VCV002882672.3), dbSNP rs1256864864, ClinGen allele CA348423733.

ClinVar aggregate classification (germline): Uncertain significance (1 of 4 stars; one submission).

Conditions:
Autosomal recessive limb-girdle muscular dystrophy type 2W (MDRCMTT). Also called: Muscular dystrophy, limb-girdle, type 2W; Muscular dystrophy, autosomal recessive, with cardiomyopathy and triangular tongue. Identifiers: MedGen C4225192, MONDO:0014788, OMIM 616827.

Allele frequency attached by ClinVar (database versions not stated): gnomAD 0.00001.

Submission:

Labcorp Genetics (formerly Invitae), Labcorp
Classification: Uncertain significance for Autosomal recessive limb-girdle muscular dystrophy type 2W. Last evaluated: 2023-11-10. Review status: criteria provided, single submitter. Criteria: Invitae Variant Classification Sherloc (09022015). Collection method: clinical testing. Allele origin: germline.
Comment: This sequence change replaces serine, which is neutral and polar, with proline, which is neutral and non-polar, at codon 350 of the LIMS2 protein (p.Ser350Pro). This variant is present in population databases (no rsID available, gnomAD 0.007%). This variant has not been reported in the literature in individuals affected with LIMS2-related conditions. An algorithm developed to predict the effect of missense changes on protein structure and function (PolyPhen-2) suggests that this variant is likely to be tolerated. In summary, the available evidence is currently insufficient to determine the role of this variant in disease. Therefore, it has been classified as a Variant of Uncertain Significance.